The following is an entry in ClinVar:

NM_001447.3(FAT2):c.2794C>T (p.Leu932=)

Gene: FAT2 (FAT atypical cadherin 2; minus strand). Cytogenetic location: 5q33.1.
Variant type: single nucleotide variant.
Coding change: c.2794C>T on transcript NM_001447.3 (MANE Select); coding-DNA position 2794, C replaced by T.
Protein change: p.Leu932=; no amino-acid change (leucine 932 retained).
Molecular consequence: synonymous variant.
Genome position (GRCh38, 1-based): chr5:151,566,138, G>A on the plus strand (C>T on the coding strand, the complement: FAT2 is on the minus strand). VCF-style: chr5-151566138-G-A. GRCh37 (hg19) VCF-style: chr5-150945699-G-A.
Identifiers: ClinVar variation 1239472 (VCV001239472.11), dbSNP rs10085060, ClinGen allele CA3522002.
Genomic context (GRCh38, chr5:151,566,138, plus strand): 5'-GATCAGAGGCATCCAGAAATGTCAAGACAGTCCCGGGGGGCAGGTCCTCTGGAACCTTCA[G>A]CCTGTTGTGTTCTGTGATGCACTGGGGAGAGTTGTCGTTGACATCCTCCAATGTGATTAT-3'
Protein context (NP_001438.1, residues 922-942): SPQCITEHNR[Leu932=]KVPEDLPPGT

ClinVar aggregate classification (germline): Benign. Review status: criteria provided, multiple submitters, no conflicts (2 of 4 stars). 4 submissions from 4 submitters: Benign (3). 1 of the submissions does not count toward it. Last evaluated 2026-02-03.

Conditions:
Spinocerebellar ataxia 45. Identifiers: Orphanet 589527, MedGen C4540400, MONDO:0033480, OMIM 617769.
FAT2-related disorder. Also called: FAT2-related condition.

Allele frequency attached by ClinVar (database versions not stated): gnomAD exomes 0.50555 and 0.46572; 1000 Genomes Project 0.41973; 1000 Genomes Project 30x 0.42146; ESP Exome Variant Server 0.49654; ExAC 0.46745; TOPMed 0.47618; gnomAD 0.48567 and 0.49025.
gnomAD v4.1: 812,587 of 1,613,482 alleles (50%); highest among the groups gnomAD compares: Non-Finnish European, 53%; 207,927 homozygotes.

Submissions (4):

Labcorp Genetics (formerly Invitae), Labcorp
Classification: Benign. Last evaluated: 2026-02-03. Review status: criteria provided, single submitter. Criteria: Invitae Variant Classification Sherloc (09022015). Collection method: clinical testing. Allele origin: germline.

Genome-Nilou Lab
Classification: Benign for Spinocerebellar ataxia 45. Last evaluated: 2021-08-10. Review status: criteria provided, single submitter. Criteria: ACMG Guidelines, 2015. Collection method: clinical testing. Allele origin: germline. Affected: no.

GeneDx
Classification: Benign. Last evaluated: 2021-05-04. Review status: criteria provided, single submitter. Criteria: GeneDx Variant Classification Process June 2021. Collection method: clinical testing. Allele origin: germline. Affected: yes.

PreventionGenetics, part of Exact Sciences
Classification: Benign for FAT2-related condition. Last evaluated: 2019-07-08. Review status: no assertion criteria provided. Collection method: clinical testing. Allele origin: germline. Not counted in ClinVar's aggregate classification.
Comment: This variant is classified as benign based on ACMG/AMP sequence variant interpretation guidelines (Richards et al. 2015 PMID: 25741868, with internal and published modifications).